The following is an entry in ClinVar:

NM_003873.7(NRP1):c.1789G>C (p.Gly597Arg)

Gene: NRP1 (neuropilin 1; minus strand). Cytogenetic location: 10p11.22.
Variant type: single nucleotide variant.
Coding change: c.1789G>C on transcript NM_003873.7 (MANE Select); coding-DNA position 1789, G replaced by C.
Protein change: p.Gly597Arg; replaces glycine 597 with arginine.
Molecular consequence: missense variant. On other transcripts: non-coding transcript variant (1), intron variant (1).
Genome position (GRCh38, 1-based): chr10:33,202,966, C>G on the plus strand (G>C on the coding strand, the complement: NRP1 is on the minus strand). VCF-style: chr10-33202966-C-G. GRCh37 (hg19) VCF-style: chr10-33491894-C-G.
Other names: c.1789G>C, p.Gly597Arg (NM_001024628.3, NM_001244972.2, NM_001244973.2 and 1 more transcripts); c.1759+4606G>C (NM_001024629.3); short protein forms G597R.
Identifiers: ClinVar variation 3345301 (VCV003345301.1).

ClinVar aggregate classification (germline): Uncertain significance (0 of 4 stars; one submission).

Conditions:
NRP1-related disorder. Also called: NRP1-related condition.

gnomAD v4.1: 3 of 1,613,930 alleles (0.00019%); highest among the groups gnomAD compares: Non-Finnish European, 0.00017%; no homozygotes.

Submission:

PreventionGenetics, part of Exact Sciences
Classification: Uncertain significance for NRP1-related condition. Last evaluated: 2024-09-20. Review status: no assertion criteria provided. Collection method: clinical testing. Allele origin: germline.
Comment: The NRP1 c.1789G>C variant is predicted to result in the amino acid substitution p.Gly597Arg. To our knowledge, this variant has not been reported in the literature or in a large population database, indicating this variant is rare. At this time, the clinical significance of this variant is uncertain due to the absence of conclusive functional and genetic evidence.